The following is an entry in ClinVar:

NM_002875.5(RAD51):c.378T>G (p.Phe126Leu)

Gene: RAD51 (RAD51 recombinase; plus strand). Cytogenetic location: 15q15.1.
Variant type: single nucleotide variant.
Coding change: c.378T>G on transcript NM_002875.5 (MANE Select); coding-DNA position 378, T replaced by G.
Protein change: p.Phe126Leu; replaces phenylalanine 126 with leucine.
Molecular consequence: missense variant.
Genome position (GRCh38, 1-based): chr15:40,709,059, T>G. VCF-style: chr15-40709059-T-G. GRCh37 (hg19) VCF-style: chr15-41001257-T-G.
Other names: c.381T>G, p.Phe127Leu (NM_001164269.2, NM_133487.4); c.378T>G, p.Phe126Leu (NM_001164270.2); short protein forms F126L, F127L.
Identifiers: ClinVar variation 4770021 (VCV004770021.1).

ClinVar aggregate classification (germline): Pathogenic (1 of 4 stars; one submission).

Submission:

Labcorp Genetics (formerly Invitae), Labcorp
Classification: Pathogenic. Last evaluated: 2025-01-27. Review status: criteria provided, single submitter. Criteria: Invitae Variant Classification Sherloc (09022015). Collection method: clinical testing. Allele origin: germline.
Comment: This sequence change replaces phenylalanine, which is neutral and non-polar, with leucine, which is neutral and non-polar, at codon 126 of the RAD51 protein (p.Phe126Leu). This variant is not present in population databases (gnomAD no frequency). This missense change has been observed in individual(s) with RAD51-related conditions (internal data). In at least one individual the variant was observed to be de novo. Invitae Evidence Modeling of protein sequence and biophysical properties (such as structural, functional, and spatial information, amino acid conservation, physicochemical variation, residue mobility, and thermodynamic stability) indicates that this missense variant is expected to disrupt RAD51 protein function with a positive predictive value of 80%. For these reasons, this variant has been classified as Pathogenic.